The following is an entry in ClinVar:

ClinVar aggregate classification (germline): Uncertain significance (1 of 4 stars; one submission).

gnomAD v4.1: 2 of 1,614,192 alleles (0.00012%); highest among the groups gnomAD compares: Non-Finnish European, 0.00017%; no homozygotes.

Submission:

Labcorp Genetics (formerly Invitae), Labcorp
Classification: Uncertain significance. Last evaluated: 2025-01-08. Review status: criteria provided, single submitter. Criteria: Invitae Variant Classification Sherloc (09022015). Collection method: clinical testing. Allele origin: germline.
Comment: This sequence change replaces proline, which is neutral and non-polar, with leucine, which is neutral and non-polar, at codon 1123 of the ASXL1 protein (p.Pro1123Leu). This variant is present in population databases (rs11549643, gnomAD 0.002%). This variant has not been reported in the literature in individuals affected with ASXL1-related conditions. An algorithm developed to predict the effect of missense changes on protein structure and function (PolyPhen-2) suggests that this variant is likely to be disruptive. In summary, the available evidence is currently insufficient to determine the role of this variant in disease. Therefore, it has been classified as a Variant of Uncertain Significance.

NM_015338.6(ASXL1):c.3368C>T (p.Pro1123Leu)

Gene: ASXL1 (ASXL transcriptional regulator 1; plus strand). Cytogenetic location: 20q11.21.
Variant type: single nucleotide variant.
Coding change: c.3368C>T on transcript NM_015338.6 (MANE Select); coding-DNA position 3368, C replaced by T.
Protein change: p.Pro1123Leu; replaces proline 1123 with leucine.
Molecular consequence: missense variant.
Genome position (GRCh38, 1-based): chr20:32,436,080, C>T. VCF-style: chr20-32436080-C-T. GRCh37 (hg19) VCF-style: chr20-31023883-C-T.
Other names: c.3185C>T, p.Pro1062Leu (NM_001363734.1); short protein forms P1062L, P1123L.
Identifiers: ClinVar variation 3604671 (VCV003604671.2).